The following is an entry in ClinVar:

NM_016239.4(MYO15A):c.831C>T (p.His277=)

Gene: MYO15A (myosin XVA; plus strand). Cytogenetic location: 17p11.2.
Variant type: single nucleotide variant.
Coding change: c.831C>T on transcript NM_016239.4 (MANE Select); coding-DNA position 831, C replaced by T.
Protein change: p.His277=; no amino-acid change (histidine 277 retained).
Molecular consequence: synonymous variant.
Genome position (GRCh38, 1-based): chr17:18,119,631, C>T. VCF-style: chr17-18119631-C-T. GRCh37 (hg19) VCF-style: chr17-18022945-C-T.
Identifiers: ClinVar variation 2918759 (VCV002918759.16), dbSNP rs755527568, ClinGen allele CA8422945.

ClinVar aggregate classification (germline): Conflicting classifications of pathogenicity. Review status: criteria provided, conflicting classifications (1 of 4 stars). 2 submissions from 2 submitters: Uncertain significance (1); Likely benign (1). Last evaluated 2025-01-01.

Allele frequency attached by ClinVar (database versions not stated): ExAC 0.00001; TOPMed 0.00001; gnomAD 0.00003.
gnomAD v4.1: 9 of 1,603,266 alleles (0.00056%); highest among the groups gnomAD compares: Non-Finnish European, 0.00068%; no homozygotes.

Submissions (2):

CeGaT Center for Human Genetics Tuebingen
Classification: Uncertain significance. Last evaluated: 2025-01-01. Review status: criteria provided, single submitter. Criteria: CeGaT Center For Human Genetics Tuebingen Variant Classification Criteria Version 2. Collection method: clinical testing. Allele origin: germline. Affected: yes. Observed: 1 variant allele.
Comment: MYO15A: PM2:Supporting, BP4

Labcorp Genetics (formerly Invitae), Labcorp
Classification: Likely benign. Last evaluated: 2024-01-04. Review status: criteria provided, single submitter. Criteria: Invitae Variant Classification Sherloc (09022015). Collection method: clinical testing. Allele origin: germline.